The following is an entry in ClinVar:

ClinVar aggregate classification (germline): Benign. Review status: criteria provided, multiple submitters, no conflicts (2 of 4 stars). 7 submissions from 7 submitters: Benign (7). Last evaluated 2026-02-04.

Conditions:
Deficiency of 2-methylbutyryl-CoA dehydrogenase (ACADSB). Also called: 2-methylbutyryl-CoA dehydrogenase deficiency; SBCAD deficiency; 2-methylbutyric aciduria; Short branched-chain acyl-CoA dehydrogenase deficiency; 2-methylbutyrylglycinuria. Identifiers: Orphanet 79157, MedGen C1864912, MONDO:0012392, OMIM 610006, HP:0020147.

Allele frequency attached by ClinVar (database versions not stated): 1000 Genomes Project 0.20607; 1000 Genomes Project 30x 0.20675; ESP Exome Variant Server 0.27423; TOPMed 0.27550; gnomAD 0.29685 and 0.30009; ExAC 0.29842; gnomAD exomes 0.31013 and 0.36988.
gnomAD v4.1: 559,209 of 1,546,378 alleles (36%); highest among the groups gnomAD compares: Non-Finnish European, 40%; 106,321 homozygotes.

Submissions (7):

Labcorp Genetics (formerly Invitae), Labcorp
Classification: Benign for Deficiency of 2-methylbutyryl-CoA dehydrogenase. Last evaluated: 2026-02-04. Review status: criteria provided, single submitter. Criteria: Invitae Variant Classification Sherloc (09022015). Collection method: clinical testing. Allele origin: germline.

Mayo Clinic Laboratories, Mayo Clinic
Classification: Benign. Last evaluated: 2025-12-15. Review status: criteria provided, single submitter. Criteria: ACMG Guidelines, 2015. Collection method: clinical testing. Allele origin: germline. Observed: 49 variant alleles.
Comment: BA1, BP4_moderate

Blueprint Genetics
Classification: Benign. Last evaluated: 2024-11-27. Review status: criteria provided, single submitter. Criteria: ACMG Guidelines, 2015. Collection method: clinical testing. Allele origin: germline.

Genome-Nilou Lab
Classification: Benign for Deficiency of 2-methylbutyryl-CoA dehydrogenase. Last evaluated: 2021-07-14. Review status: criteria provided, single submitter. Criteria: ACMG Guidelines, 2015. Collection method: clinical testing. Allele origin: germline. Affected: no.

Illumina Laboratory Services, Illumina
Classification: Benign for Deficiency of 2-methylbutyryl-CoA dehydrogenase. Last evaluated: 2018-03-06. Review status: criteria provided, single submitter. Criteria: ICSL Variant Classification Criteria 13 December 2019. Collection method: clinical testing. Allele origin: germline.
Comment: This variant was observed in the ICSL laboratory as part of a predisposition screen in an ostensibly healthy population. It had not been previously curated by ICSL or reported in the Human Gene Mutation Database (HGMD: prior to June 1st, 2018), and was therefore a candidate for classification through an automated scoring system. Utilizing variant allele frequency, disease prevalence and penetrance estimates, and inheritance mode, an automated score was calculated to assess if this variant is too frequent to cause the disease. Based on the score and internal cut-off values, a variant classified as benign is not then subjected to further curation. The score for this variant resulted in a classification of benign for this disease.

GeneDx
Classification: Benign. Last evaluated: 2015-03-03. Review status: criteria provided, single submitter. Criteria: GeneDx Variant Classification Process June 2021. Collection method: clinical testing. Allele origin: germline. Affected: yes.
Comment: This variant is associated with the following publications: (PMID: 17143180)

Breakthrough Genomics
Classification: Benign. Review status: criteria provided, single submitter. Criteria: ACMG Guidelines, 2015. Collection method: not provided. Allele origin: germline. Inheritance: Autosomal recessive inheritance. Affected: yes.

NM_001609.4(ACADSB):c.38G>A (p.Arg13Lys)

Gene: ACADSB (acyl-CoA dehydrogenase short/branched chain; plus strand). Cytogenetic location: 10q26.13.
Variant type: single nucleotide variant.
Coding change: c.38G>A on transcript NM_001609.4 (MANE Select); coding-DNA position 38, G replaced by A.
Protein change: p.Arg13Lys; replaces arginine 13 with lysine.
Molecular consequence: missense variant. On other transcripts: 5 prime UTR variant (1).
Genome position (GRCh38, 1-based): chr10:123,009,067, G>A. VCF-style: chr10-123009067-G-A. GRCh37 (hg19) VCF-style: chr10-124768583-G-A.
Other names: c.-168G>A (NM_001330174.3); short protein forms R13K.
Identifiers: ClinVar variation 299068 (VCV000299068.20), dbSNP rs12263012, ClinGen allele CA5730580.